The following is an entry in ClinVar:

NM_020821.3(VPS13C):c.7996C>G (p.Leu2666Val)

Gene: VPS13C (vacuolar protein sorting 13 homolog C; minus strand). Cytogenetic location: 15q22.2.
Variant type: single nucleotide variant.
Coding change: c.7996C>G on transcript NM_020821.3 (MANE Select); coding-DNA position 7996, C replaced by G.
Protein change: p.Leu2666Val; replaces leucine 2666 with valine.
Molecular consequence: missense variant.
Genome position (GRCh38, 1-based): chr15:61,917,400, G>C on the plus strand (C>G on the coding strand, the complement: VPS13C is on the minus strand). VCF-style: chr15-61917400-G-C. GRCh37 (hg19) VCF-style: chr15-62209599-G-C.
Other names: c.7996C>G, p.Leu2666Val (NM_001018088.3); c.7867C>G, p.Leu2623Val (NM_017684.5, NM_018080.4); short protein forms L2623V, L2666V.
Identifiers: ClinVar variation 2419555 (VCV002419555.6), dbSNP rs149961750, ClinGen allele CA271889004.

ClinVar aggregate classification (germline): Uncertain significance (1 of 4 stars; one submission).

Allele frequency attached by ClinVar (database versions not stated): gnomAD exomes below 0.00001.
gnomAD v4.1: 2 of 1,613,982 alleles (0.00012%); no homozygotes.

Submission:

Labcorp Genetics (formerly Invitae), Labcorp
Classification: Uncertain significance. Last evaluated: 2025-12-08. Review status: criteria provided, single submitter. Criteria: Invitae Variant Classification Sherloc (09022015). Collection method: clinical testing. Allele origin: germline.
Comment: This sequence change replaces leucine, which is neutral and non-polar, with valine, which is neutral and non-polar, at codon 2666 of the VPS13C protein (p.Leu2666Val). This variant is not present in population databases (gnomAD no frequency). This variant has not been reported in the literature in individuals affected with VPS13C-related conditions. ClinVar contains an entry for this variant (Variation ID: 2419555). Invitae Evidence Modeling of protein sequence and biophysical properties (such as structural, functional, and spatial information, amino acid conservation, physicochemical variation, residue mobility, and thermodynamic stability) indicates that this missense variant is expected to disrupt VPS13C protein function with a positive predictive value of 80%. In summary, the available evidence is currently insufficient to determine the role of this variant in disease. Therefore, it has been classified as a Variant of Uncertain Significance.